The following is an entry in ClinVar:

ClinVar aggregate classification (germline): Uncertain significance (1 of 4 stars; one submission).

Allele frequency attached by ClinVar (database versions not stated): gnomAD exomes below 0.00001; TOPMed below 0.00001.
gnomAD v4.1: 2 of 1,613,978 alleles (0.00012%); highest among the groups gnomAD compares: Non-Finnish European, 0.000085%; no homozygotes.

Submission:

Labcorp Genetics (formerly Invitae), Labcorp
Classification: Uncertain significance. Last evaluated: 2024-10-28. Review status: criteria provided, single submitter. Criteria: Invitae Variant Classification Sherloc (09022015). Collection method: clinical testing. Allele origin: germline.
Comment: This sequence change replaces isoleucine, which is neutral and non-polar, with threonine, which is neutral and polar, at codon 4309 of the FAT4 protein (p.Ile4309Thr). This variant is not present in population databases (gnomAD no frequency). This variant has not been reported in the literature in individuals affected with FAT4-related conditions. ClinVar contains an entry for this variant (Variation ID: 1936003). Invitae Evidence Modeling of protein sequence and biophysical properties (such as structural, functional, and spatial information, amino acid conservation, physicochemical variation, residue mobility, and thermodynamic stability) indicates that this missense variant is not expected to disrupt FAT4 protein function with a negative predictive value of 95%. In summary, the available evidence is currently insufficient to determine the role of this variant in disease. Therefore, it has been classified as a Variant of Uncertain Significance.

NM_001291303.3(FAT4):c.12932T>C (p.Ile4311Thr)

Gene: FAT4 (FAT atypical cadherin 4; plus strand). Cytogenetic location: 4q28.1.
Variant type: single nucleotide variant.
Coding change: c.12932T>C on transcript NM_001291303.3 (MANE Select); coding-DNA position 12932, T replaced by C.
Protein change: p.Ile4311Thr; replaces isoleucine 4311 with threonine.
Molecular consequence: missense variant.
Genome position (GRCh38, 1-based): chr4:125,487,454, T>C. VCF-style: chr4-125487454-T-C. GRCh37 (hg19) VCF-style: chr4-126408609-T-C.
Other names: c.12932T>C, p.Ile4311Thr (NM_001291285.3); c.12926T>C, p.Ile4309Thr (NM_024582.6); short protein forms I4309T, I4311T.
Identifiers: ClinVar variation 1936003 (VCV001936003.5), dbSNP rs1727447675, ClinGen allele CA358134288.